The following is an entry in ClinVar:

NM_001378778.1(MPDZ):c.2309C>T (p.Ala770Val)

Gene: MPDZ (multiple PDZ domain crumbs cell polarity complex component; minus strand). Cytogenetic location: 9p23.
Variant type: single nucleotide variant.
Coding change: c.2309C>T on transcript NM_001378778.1 (MANE Select); coding-DNA position 2309, C replaced by T.
Protein change: p.Ala770Val; replaces alanine 770 with valine.
Molecular consequence: missense variant.
Genome position (GRCh38, 1-based): chr9:13,188,839, G>A on the plus strand (C>T on the coding strand, the complement: MPDZ is on the minus strand). VCF-style: chr9-13188839-G-A. GRCh37 (hg19) VCF-style: chr9-13188838-G-A.
Other names: c.2309C>T, p.Ala770Val (NM_001261406.2, NM_001261407.2, NM_001330637.2 and 14 more transcripts); short protein forms A770V.
Identifiers: ClinVar variation 1466727 (VCV001466727.5), dbSNP rs776368379, ClinGen allele CA4987506.

ClinVar aggregate classification (germline): Uncertain significance (1 of 4 stars; one submission).

Allele frequency attached by ClinVar (database versions not stated): gnomAD exomes below 0.00001; ExAC 0.00001; gnomAD 0.00001.
gnomAD v4.1: 4 of 1,613,398 alleles (0.00025%); highest among the groups gnomAD compares: South Asian, 0.0033%; no homozygotes.

Submission:

Labcorp Genetics (formerly Invitae), Labcorp
Classification: Uncertain significance. Last evaluated: 2023-11-27. Review status: criteria provided, single submitter. Criteria: Invitae Variant Classification Sherloc (09022015). Collection method: clinical testing. Allele origin: germline.
Comment: This sequence change replaces alanine, which is neutral and non-polar, with valine, which is neutral and non-polar, at codon 770 of the MPDZ protein (p.Ala770Val). This variant is present in population databases (rs776368379, gnomAD 0.003%). This variant has not been reported in the literature in individuals affected with MPDZ-related conditions. ClinVar contains an entry for this variant (Variation ID: 1466727). An algorithm developed to predict the effect of missense changes on protein structure and function (PolyPhen-2) suggests that this variant is likely to be disruptive. In summary, the available evidence is currently insufficient to determine the role of this variant in disease. Therefore, it has been classified as a Variant of Uncertain Significance.